The following is an entry in ClinVar:

ClinVar aggregate classification (germline): Likely benign (0 of 4 stars; one submission).

Conditions:
PHIP-related disorder. Also called: PHIP-related condition; PHIP-related disorders.

Submission:

PreventionGenetics, part of Exact Sciences
Classification: Likely benign for PHIP-related condition. Last evaluated: 2023-08-28. Review status: no assertion criteria provided. Collection method: clinical testing. Allele origin: germline.
Comment: This variant is classified as likely benign based on ACMG/AMP sequence variant interpretation guidelines (Richards et al. 2015 PMID: 25741868, with internal and published modifications).

NM_017934.7(PHIP):c.1260T>C (p.Asp420=)

Gene: PHIP (PHIP subunit of CUL4-Ring ligase complex; minus strand). Cytogenetic location: 6q14.1.
Variant type: single nucleotide variant.
Coding change: c.1260T>C on transcript NM_017934.7 (MANE Select); coding-DNA position 1260, T replaced by C.
Protein change: p.Asp420=; no amino-acid change (aspartic acid 420 retained).
Molecular consequence: synonymous variant.
Genome position (GRCh38, 1-based): chr6:79,015,759, A>G on the plus strand (T>C on the coding strand, the complement: PHIP is on the minus strand). VCF-style: chr6-79015759-A-G. GRCh37 (hg19) VCF-style: chr6-79725476-A-G.
Identifiers: ClinVar variation 3348902 (VCV003348902.1).
Genomic context (GRCh38, chr6:79,015,759, plus strand): 5'-TATAACTGTATTGTCATGTCGATCCCAAGCTACCATAGTAACCTTCATTTTTGTGATTTT[A>G]TCTTCTATTCCTTGAAGGTTTTGGCTGAAAGTGAGGAAGTGTTTTACACTGACTATTAAA-3'
Protein context (NP_060404.4, residues 410-430): PAGQNLQGIE[Asp420=]KITKMKVTMV